The following is an entry in ClinVar:

NM_000179.3(MSH6):c.3685A>T (p.Asn1229Tyr)

Gene: MSH6 (mutS homolog 6; plus strand). Cytogenetic location: 2p16.3.
Variant type: single nucleotide variant.
Coding change: c.3685A>T on transcript NM_000179.3 (MANE Select); coding-DNA position 3685, A replaced by T.
Protein change: p.Asn1229Tyr; replaces asparagine 1229 with tyrosine.
Molecular consequence: missense variant.
Genome position (GRCh38, 1-based): chr2:47,806,242, A>T. VCF-style: chr2-47806242-A-T. GRCh37 (hg19) VCF-style: chr2-48033381-A-T.
Other names: c.3295A>T, p.Asn1099Tyr (NM_001281492.2); c.2779A>T, p.Asn927Tyr (NM_001281493.2, NM_001281494.2); short protein forms N1229Y, N927Y, N1099Y.
Identifiers: ClinVar variation 525671 (VCV000525671.17), dbSNP rs774249402, ClinGen allele CA346760922.

ClinVar aggregate classification (germline): Uncertain significance. Review status: criteria provided, multiple submitters, no conflicts (2 of 4 stars). 4 submissions from 4 submitters: Uncertain significance (4). Last evaluated 2025-08-10.

Conditions:
Hereditary nonpolyposis colorectal neoplasms. Identifiers: MedGen C0009405, MeSH D003123.
Hereditary cancer-predisposing syndrome. Also called: Neoplastic Syndromes, Hereditary; Tumor predisposition; Hereditary Cancer Syndrome; Hereditary neoplastic syndrome. Identifiers: Orphanet 140162, MedGen C0027672, MeSH D009386, MONDO:0015356.

gnomAD v4.1: 1 of 1,614,156 alleles (0.000062%); highest among the groups gnomAD compares: African/African-American, 0.0013%; no homozygotes.

Submissions (4):

GeneDx
Classification: Uncertain significance. Last evaluated: 2025-08-10. Review status: criteria provided, single submitter. Criteria: GeneDx Variant Classification Process June 2021. Collection method: clinical testing. Allele origin: germline. Affected: yes.
Comment: Not observed at significant frequency in large population cohorts (gnomAD); In silico analysis suggests that this missense variant does not alter protein structure/function; Has not been previously published as pathogenic or benign to our knowledge; This variant is associated with the following publications: (PMID: 21120944, 17531815)

Labcorp Genetics (formerly Invitae), Labcorp
Classification: Uncertain significance for Hereditary nonpolyposis colorectal neoplasms. Last evaluated: 2025-07-30. Review status: criteria provided, single submitter. Criteria: Invitae Variant Classification Sherloc (09022015). Collection method: clinical testing. Allele origin: germline.
Comment: This sequence change replaces asparagine, which is neutral and polar, with tyrosine, which is neutral and polar, at codon 1229 of the MSH6 protein (p.Asn1229Tyr). This variant is not present in population databases (gnomAD no frequency). This variant has not been reported in the literature in individuals affected with MSH6-related conditions. ClinVar contains an entry for this variant (Variation ID: 525671). Invitae Evidence Modeling of protein sequence and biophysical properties (such as structural, functional, and spatial information, amino acid conservation, physicochemical variation, residue mobility, and thermodynamic stability) indicates that this missense variant is not expected to disrupt MSH6 protein function with a negative predictive value of 95%. In summary, the available evidence is currently insufficient to determine the role of this variant in disease. Therefore, it has been classified as a Variant of Uncertain Significance.

Color Diagnostics, LLC DBA Color Health
Classification: Uncertain significance for Hereditary cancer-predisposing syndrome. Last evaluated: 2024-03-06. Review status: criteria provided, single submitter. Criteria: ACMG Guidelines, 2015. Collection method: clinical testing. Allele origin: germline.
Comment: This missense variant replaces asparagine with tyrosine at codon 1229 of the MSH6 protein. Computational prediction suggests that this variant may not impact protein structure and function (internally defined REVEL score threshold <= 0.5, PMID: 27666373). Splice site prediction tools suggest that this variant may not impact RNA splicing. To our knowledge, functional studies have not been performed for this variant. This variant has not been reported in individuals affected with hereditary cancer in the literature. This variant has not been identified in the general population by the Genome Aggregation Database (gnomAD). The available evidence is insufficient to determine the role of this variant in disease conclusively. Therefore, this variant is classified as a Variant of Uncertain Significance.

Ambry Genetics
Classification: Uncertain significance for Hereditary cancer-predisposing syndrome. Last evaluated: 2024-02-24. Review status: criteria provided, single submitter. Criteria: Ambry Variant Classification Scheme 2023. Collection method: clinical testing. Allele origin: germline.
Comment: The p.N1229Y variant (also known as c.3685A>T), located in coding exon 8 of the MSH6 gene, results from an A to T substitution at nucleotide position 3685. The asparagine at codon 1229 is replaced by tyrosine, an amino acid with dissimilar properties. This amino acid position is conserved. In addition, the in silico prediction for this alteration is inconclusive. Based on the available evidence, the clinical significance of this alteration remains unclear.